The following is an entry in ClinVar:

NM_000030.3(AGXT):c.469del (p.Glu157fs)

Gene: AGXT (alanine--glyoxylate aminotransferase; plus strand). Cytogenetic location: 2q37.3.
Variant type: Deletion.
Coding change: c.469del on transcript NM_000030.3 (MANE Select); coding-DNA position 469, one base deleted (G; older notation c.469delG).
Protein change: p.Glu157fs; shifts the reading frame from glutamic acid 157.
Molecular consequence: frameshift variant.
Genome position (GRCh38, 1-based): chr2:240,871,394, G deleted; the last of 4 consecutive G bases (chr2:240,871,391-240,871,394); deleting any one gives the same sequence. VCF-style (leftmost placement, unchanged base first): chr2-240871390-CG-C. GRCh37 (hg19) VCF-style: chr2-241810807-CG-C.
Other names: short protein forms E157fs.
Identifiers: ClinVar variation 2664124 (VCV002664124.1), dbSNP rs2528744521, ClinGen allele CA2586971633.

ClinVar aggregate classification (germline): Pathogenic (1 of 4 stars; one submission).

Conditions:
Primary hyperoxaluria, type I (HP1). Also called: OXALOSIS I; Primary hyperoxaluria type 1; GLYCOLIC ACIDURIA; HEPATIC AGT DEFICIENCY. Identifiers: Orphanet 416, Orphanet 93598, MedGen C0268164, MONDO:0009823, OMIM 259900. Disease mechanism: loss of function.

Submission:

Rare Kidney Stone Consortium and the Mayo Clinic Hyperoxaluria Center, Mayo Clinic
Classification: Pathogenic for Primary hyperoxaluria, type I. Last evaluated: 2023-10-27. Review status: criteria provided, single submitter. Criteria: ACMG Guidelines, 2015. Collection method: clinical testing. Allele origin: germline. Affected: yes.
Comment: ACMG:PVS1 PM2 PM3 PP4

Literature cited by the submitters: PubMed 25644115.